The following is an entry in ClinVar:

ClinVar aggregate classification (germline): Uncertain significance. Review status: criteria provided, multiple submitters, no conflicts (2 of 4 stars). 3 submissions from 3 submitters: Uncertain significance (2). 1 of the submissions does not count toward it. Last evaluated 2024-11-25.

Conditions:
CLASP1-related disorder. Also called: CLASP1-related condition.

gnomAD v4.1: 307 of 700,386 alleles (0.044%); highest among the groups gnomAD compares: Middle Eastern, 0.11%; no homozygotes.

Submissions (3):

Blueprint Genetics
Classification: Uncertain significance. Last evaluated: 2024-11-25. Review status: criteria provided, single submitter. Criteria: ACMG Guidelines, 2015. Collection method: clinical testing. Allele origin: germline.

Labcorp Genetics (formerly Invitae), Labcorp
Classification: Uncertain significance. Last evaluated: 2022-11-01. Review status: criteria provided, single submitter. Criteria: Invitae Variant Classification Sherloc (09022015). Collection method: clinical testing. Allele origin: germline.
Comment: This variant occurs in the RNU4ATAC gene, which encodes an RNA molecule that does not result in a protein product. This variant is present in population databases (rs769219094, gnomAD 0.06%). This variant has not been reported in the literature in individuals affected with RNU4ATAC-related conditions. ClinVar contains an entry for this variant (Variation ID: 1515972). Experimental studies and prediction algorithms are not available or were not evaluated, and the functional significance of this variant is currently unknown. In summary, the available evidence is currently insufficient to determine the role of this variant in disease. Therefore, it has been classified as a Variant of Uncertain Significance.

PreventionGenetics, part of Exact Sciences
Classification: Likely benign for CLASP1-related condition. Last evaluated: 2019-05-09. Review status: no assertion criteria provided. Collection method: clinical testing. Allele origin: germline. Not counted in ClinVar's aggregate classification.
Comment: This variant is classified as likely benign based on ACMG/AMP sequence variant interpretation guidelines (Richards et al. 2015 PMID: 25741868, with internal and published modifications).

NM_001395891.1(CLASP1):c.196-624C>T

Genes: CLASP1-AS1 (CLASP1 antisense RNA 1; plus strand), CLASP1 (cytoplasmic linker associated protein 1; minus strand), RNU4ATAC (RNA, U4atac small nuclear; plus strand). Cytogenetic location: 2q14.2.
Variant type: single nucleotide variant.
Coding change: c.196-624C>T on transcript NM_001395891.1 (MANE Select); 624 bases into the intron before coding-DNA position 196, C replaced by T.
Molecular consequence: intron variant.
Genome position (GRCh38, 1-based): chr2:121,530,949, G>A on the plus strand (C>T on the coding strand, the complement: CLASP1 is on the minus strand). VCF-style: chr2-121530949-G-A. GRCh37 (hg19) VCF-style: chr2-122288525-G-A.
Other names: c.196-624C>T (NM_001142274.2, NM_015282.3, NM_001378003.1 and 4 more transcripts).
Identifiers: ClinVar variation 1515972 (VCV001515972.6), dbSNP rs769219094, ClinGen allele CA54810903.